The following is an entry in ClinVar:

ClinVar aggregate classification (germline): Uncertain significance. Review status: criteria provided, multiple submitters, no conflicts (2 of 4 stars). 2 submissions from 2 submitters: Uncertain significance (2). Last evaluated 2022-10-29.

Conditions:
Haddad syndrome (OHD). Also called: Ondine-Hirschsprung disease. Identifiers: Orphanet 99803, MedGen C1859049, MONDO:0020493.
Hereditary cancer-predisposing syndrome. Also called: Neoplastic Syndromes, Hereditary; Hereditary Cancer Syndrome; Tumor predisposition; Hereditary neoplastic syndrome. Identifiers: Orphanet 140162, MedGen C0027672, MeSH D009386, MONDO:0015356.

Submissions (2):

Ambry Genetics
Classification: Uncertain significance for Hereditary cancer-predisposing syndrome. Last evaluated: 2022-10-29. Review status: criteria provided, single submitter. Criteria: Ambry Variant Classification Scheme 2023. Collection method: clinical testing. Allele origin: germline.
Comment: The p.A307V variant (also known as c.920C>T), located in coding exon 3 of the PHOX2B gene, results from a C to T substitution at nucleotide position 920. The alanine at codon 307 is replaced by valine, an amino acid with similar properties. This amino acid position is conserved. In addition, this alteration is predicted to be tolerated by in silico analysis. Since supporting evidence is limited at this time, the clinical significance of this alteration remains unclear.

Labcorp Genetics (formerly Invitae), Labcorp
Classification: Uncertain significance for Haddad syndrome. Last evaluated: 2018-02-25. Review status: criteria provided, single submitter. Criteria: Invitae Variant Classification Sherloc (09022015). Collection method: clinical testing. Allele origin: germline.
Comment: In summary, the available evidence is currently insufficient to determine the role of this variant in disease. Therefore, it has been classified as a Variant of Uncertain Significance. Algorithms developed to predict the effect of missense changes on protein structure and function (SIFT, PolyPhen-2, Align-GVGD) all suggest that this variant is likely to be tolerated, but these predictions have not been confirmed by published functional studies and their clinical significance is uncertain. This variant has not been reported in the literature in individuals with PHOX2B-related disease. This variant is not present in population databases (ExAC no frequency). This sequence change replaces alanine with valine at codon 307 of the PHOX2B protein (p.Ala307Val). The alanine residue is moderately conserved and there is a small physicochemical difference between alanine and valine.

NM_003924.4(PHOX2B):c.920C>T (p.Ala307Val)

Gene: PHOX2B (paired like homeobox 2B; minus strand). Cytogenetic location: 4p13.
Variant type: single nucleotide variant.
Coding change: c.920C>T on transcript NM_003924.4 (MANE Select); coding-DNA position 920, C replaced by T.
Protein change: p.Ala307Val; replaces alanine 307 with valine.
Molecular consequence: missense variant.
Genome position (GRCh38, 1-based): chr4:41,745,832, G>A on the plus strand (C>T on the coding strand, the complement: PHOX2B is on the minus strand). VCF-style: chr4-41745832-G-A. GRCh37 (hg19) VCF-style: chr4-41747849-G-A.
Other names: short protein forms A307V.
Identifiers: ClinVar variation 572812 (VCV000572812.12), dbSNP rs1420729662, ClinGen allele CA356736707.